The following is an entry in ClinVar:

NM_001277115.2(DNAH11):c.7324A>C (p.Lys2442Gln)

Gene: DNAH11 (dynein axonemal heavy chain 11; plus strand). Cytogenetic location: 7p15.3.
Variant type: single nucleotide variant.
Coding change: c.7324A>C on transcript NM_001277115.2 (MANE Select); coding-DNA position 7324, A replaced by C.
Protein change: p.Lys2442Gln; replaces lysine 2442 with glutamine.
Molecular consequence: missense variant.
Genome position (GRCh38, 1-based): chr7:21,725,868, A>C. VCF-style: chr7-21725868-A-C. GRCh37 (hg19) VCF-style: chr7-21765486-A-C.
Other names: short protein forms K2442Q.
Identifiers: ClinVar variation 837621 (VCV000837621.8), dbSNP rs1785077339, ClinGen allele CA366945594.

ClinVar aggregate classification (germline): Uncertain significance (1 of 4 stars; one submission).

Conditions:
Primary ciliary dyskinesia. Also called: Ciliary dyskinesia. Identifiers: Orphanet 244, MedGen C0008780, MONDO:0016575, HP:0012265.

Submission:

Labcorp Genetics (formerly Invitae), Labcorp
Classification: Uncertain significance for Primary ciliary dyskinesia. Last evaluated: 2022-11-01. Review status: criteria provided, single submitter. Criteria: Invitae Variant Classification Sherloc (09022015). Collection method: clinical testing. Allele origin: germline.
Comment: In summary, the available evidence is currently insufficient to determine the role of this variant in disease. Therefore, it has been classified as a Variant of Uncertain Significance. Advanced modeling of protein sequence and biophysical properties (such as structural, functional, and spatial information, amino acid conservation, physicochemical variation, residue mobility, and thermodynamic stability) performed at Invitae indicates that this missense variant is not expected to disrupt DNAH11 protein function. ClinVar contains an entry for this variant (Variation ID: 837621). This variant has not been reported in the literature in individuals affected with DNAH11-related conditions. This variant is not present in population databases (gnomAD no frequency). This sequence change replaces lysine, which is basic and polar, with glutamine, which is neutral and polar, at codon 2442 of the DNAH11 protein (p.Lys2442Gln).